The following is an entry in ClinVar:

NM_053013.4(ENO3):c.1194dup (p.Cys399fs)

Gene: ENO3 (enolase 3; plus strand). Cytogenetic location: 17p13.2.
Variant type: Duplication.
Coding change: c.1194dup on transcript NM_053013.4 (MANE Select); coding-DNA position 1194, one base duplicated (C; older notation c.1194dupC).
Protein change: p.Cys399fs; shifts the reading frame from cysteine 399.
Molecular consequence: frameshift variant.
Genome position (GRCh38, 1-based): chr17:4,956,848, C duplicated; the last of 5 consecutive C bases (chr17:4,956,844-4,956,848); duplicating any one gives the same sequence. VCF-style (leftmost placement, unchanged base first): chr17-4956843-G-GC. GRCh37 (hg19) VCF-style: chr17-4860138-G-GC.
Other names: c.1065dup, p.Cys356fs (NM_001193503.2); c.1194dup, p.Cys399fs (NM_001976.5); c.1194dupC (NM_053013.3, NM_053013.4); short protein forms C356fs, C399fs.
Identifiers: ClinVar variation 574469 (VCV000574469.9), dbSNP rs757440599, ClinGen allele CA8316598.

ClinVar aggregate classification (germline): Uncertain significance. Review status: criteria provided, multiple submitters, no conflicts (2 of 4 stars). 3 submissions from 3 submitters: Uncertain significance (3). Last evaluated 2025-04-03.

Conditions:
Glycogen storage disease due to muscle beta-enolase deficiency (GSD13). Also called: Glycogen Storage Disease Type XIII; ENOLASE 3 DEFICIENCY; ENOLASE-BETA DEFICIENCY; GSD XIII. Identifiers: Orphanet 99849, MedGen C2752027, MONDO:0013046, OMIM 612932.

Submissions (3):

Women's Health and Genetics/Laboratory Corporation of America, LabCorp
Classification: Uncertain significance. Last evaluated: 2025-04-03. Review status: criteria provided, single submitter. Criteria: LabCorp Variant Classification Summary - May 2015. Collection method: clinical testing. Allele origin: germline.
Comment: Variant summary: ENO3 c.1194dupC (p.Cys399LeufsX32) results in a premature termination codon, predicted to cause a truncation of the encoded protein or absence of the protein due to nonsense mediated decay, however current evidence is not sufficient to establish loss of function as a mechanism for disease. The variant allele was found at a frequency of 0.00015 in 251452 control chromosomes. This frequency is not significantly higher than estimated for a pathogenic variant in ENO3 causing Glycogen Storage Disease XIII, allowing no conclusion about variant significance. To our knowledge, no occurrence of c.1194dupC in individuals affected with Glycogen Storage Disease XIII and no experimental evidence demonstrating its impact on protein function have been reported. ClinVar contains an entry for this variant (Variation ID: 574469). Based on the evidence outlined above, the variant was classified as uncertain significance.

Labcorp Genetics (formerly Invitae), Labcorp
Classification: Uncertain significance for Glycogen storage disease due to muscle beta-enolase deficiency. Last evaluated: 2023-08-30. Review status: criteria provided, single submitter. Criteria: Invitae Variant Classification Sherloc (09022015). Collection method: clinical testing. Allele origin: germline.
Comment: This variant is present in population databases (rs757440599, gnomAD 0.03%). This sequence change creates a premature translational stop signal (p.Cys399Leufs*32) in the ENO3 gene. While this is not anticipated to result in nonsense mediated decay, it is expected to disrupt the last 36 amino acid(s) of the ENO3 protein. This variant has not been reported in the literature in individuals affected with ENO3-related conditions. ClinVar contains an entry for this variant (Variation ID: 574469). In summary, the available evidence is currently insufficient to determine the role of this variant in disease. Therefore, it has been classified as a Variant of Uncertain Significance.

CENTOGENE GmbH and LLC - Guiding Precision Medicine
Classification: Uncertain significance for Glycogen storage disease due to muscle beta-enolase deficiency. Last evaluated: 2021-08-26. Review status: criteria provided, single submitter. Criteria: ACMG Guidelines, 2015. Collection method: clinical testing. Allele origin: germline.